The following is an entry in ClinVar:

NM_133510.4(RAD51B):c.198G>A (p.Thr66=)

Gene: RAD51B (RAD51 paralog B; plus strand). Cytogenetic location: 14q24.1.
Variant type: single nucleotide variant.
Coding change: c.198G>A on transcript NM_133510.4 (MANE Select); coding-DNA position 198, G replaced by A.
Protein change: p.Thr66=; no amino-acid change (threonine 66 retained).
Molecular consequence: synonymous variant. On other transcripts: 5 prime UTR variant (1).
Genome position (GRCh38, 1-based): chr14:67,825,577, G>A. VCF-style: chr14-67825577-G-A. GRCh37 (hg19) VCF-style: chr14-68292294-G-A.
Other names: c.198G>A, p.Thr66= (NM_001321809.2, NM_001321810.2, NM_001321812.1 and 6 more transcripts); c.84G>A, p.Thr28= (NM_001321815.1); c.-258G>A (NM_001321817.2).
Identifiers: ClinVar variation 3786404 (VCV003786404.1).

ClinVar aggregate classification (germline): Uncertain significance (1 of 4 stars; one submission).

gnomAD v4.1: 2 of 1,574,754 alleles (0.00013%); highest among the groups gnomAD compares: South Asian, 0.0011%; no homozygotes.

Submission:

Ambry Genetics
Classification: Uncertain significance. Last evaluated: 2025-01-16. Review status: criteria provided, single submitter. Criteria: Ambry Variant Classification Scheme 2023. Collection method: clinical testing. Allele origin: germline.
Comment: The c.198G>A variant (also known as p.T66T), located in coding exon 2 of the RAD51B gene, results from a G to A substitution at nucleotide position 198. This nucleotide substitution does not change the threonine at codon 66. However, this change occurs in the last base pair of coding exon 2, which makes it likely to have some effect on normal mRNA splicing. This nucleotide position is not well conserved in available vertebrate species. In silico splice site analysis predicts that this alteration will weaken the native splice donor site. The evidence for this gene-disease relationship is limited; therefore, the clinical significance of this alteration is unclear.